The following is an entry in ClinVar:

NM_001348716.2(KDM6B):c.1970C>T (p.Pro657Leu)

Gene: KDM6B (lysine demethylase 6B; plus strand). Cytogenetic location: 17p13.1.
Variant type: single nucleotide variant.
Coding change: c.1970C>T on transcript NM_001348716.2 (MANE Select); coding-DNA position 1970, C replaced by T.
Protein change: p.Pro657Leu; replaces proline 657 with leucine.
Molecular consequence: missense variant.
Genome position (GRCh38, 1-based): chr17:7,848,258, C>T. VCF-style: chr17-7848258-C-T. GRCh37 (hg19) VCF-style: chr17-7751576-C-T.
Other names: c.1970C>T, p.Pro657Leu (NM_001080424.2); short protein forms P657L.
Identifiers: ClinVar variation 224997 (VCV000224997.35), dbSNP rs199964822, ClinGen allele CA358086.

ClinVar aggregate classification (germline): Conflicting classifications of pathogenicity. Review status: criteria provided, conflicting classifications (1 of 4 stars). 3 submissions from 3 submitters: Uncertain significance (1); Likely benign (2). Last evaluated 2026-06-01.

Conditions:
Inborn genetic diseases. Identifiers: MedGen C0950123, MeSH D030342.

Allele frequency attached by ClinVar (database versions not stated): 1000 Genomes Project 30x 0.00016; 1000 Genomes Project 0.00020; ESP Exome Variant Server 0.00025; gnomAD 0.00031 and 0.00033; TOPMed 0.00031; gnomAD exomes 0.00055 and 0.00057; ExAC 0.00059.

Submissions (3):

CeGaT Center for Human Genetics Tuebingen
Classification: Likely benign. Last evaluated: 2026-06-01. Review status: criteria provided, single submitter. Criteria: CeGaT Center For Human Genetics Tuebingen Variant Classification Criteria Version 2. Collection method: clinical testing. Allele origin: germline. Affected: yes. Observed: 2 variant alleles.
Comment: KDM6B: BS1

Blueprint Genetics
Classification: Likely benign. Last evaluated: 2024-09-11. Review status: criteria provided, single submitter. Criteria: ACMG Guidelines, 2015. Collection method: clinical testing. Allele origin: germline.

Ambry Genetics
Classification: Uncertain significance for Inborn genetic diseases. Last evaluated: 2013-11-21. Review status: criteria provided, single submitter. Criteria: Ambry Autosomal Dominant and X-Linked criteria (10/2015). Collection method: clinical testing. Allele origin: germline. Observed: 1 variant allele.
Comment: There is insufficient or conflicting evidence for classification of this alteration.